The following is an entry in ClinVar:

NM_005677.4(COLQ):c.1345A>G (p.Thr449Ala)

Gene: COLQ (collagen like tail subunit of asymmetric acetylcholinesterase; minus strand). Cytogenetic location: 3p25.1.
Variant type: single nucleotide variant.
Coding change: c.1345A>G on transcript NM_005677.4 (MANE Select); coding-DNA position 1345, A replaced by G.
Protein change: p.Thr449Ala; replaces threonine 449 with alanine.
Molecular consequence: missense variant.
Genome position (GRCh38, 1-based): chr3:15,451,667, T>C on the plus strand (A>G on the coding strand, the complement: COLQ is on the minus strand). VCF-style: chr3-15451667-T-C. GRCh37 (hg19) VCF-style: chr3-15493174-T-C.
Other names: c.1315A>G, p.Thr439Ala (NM_080538.2); c.1243A>G, p.Thr415Ala (NM_080539.4); short protein forms T415A, T439A, T449A.
Identifiers: ClinVar variation 1951330 (VCV001951330.5), dbSNP rs772919447, ClinGen allele CA351595177.

ClinVar aggregate classification (germline): Uncertain significance (1 of 4 stars; one submission).

Conditions:
Congenital myasthenic syndrome 5. Identifiers: Orphanet 590, MedGen C1864233, MONDO:0011281, OMIM 603034.

Allele frequency attached by ClinVar (database versions not stated): TOPMed below 0.00001.

Submission:

Labcorp Genetics (formerly Invitae), Labcorp
Classification: Uncertain significance for Congenital myasthenic syndrome 5. Last evaluated: 2022-03-21. Review status: criteria provided, single submitter. Criteria: Invitae Variant Classification Sherloc (09022015). Collection method: clinical testing. Allele origin: germline.
Comment: In summary, the available evidence is currently insufficient to determine the role of this variant in disease. Therefore, it has been classified as a Variant of Uncertain Significance. Algorithms developed to predict the effect of missense changes on protein structure and function are either unavailable or do not agree on the potential impact of this missense change (SIFT: "Deleterious"; PolyPhen-2: "Not Available"; Align-GVGD: "Class C0"). This variant has not been reported in the literature in individuals affected with COLQ-related conditions. This variant is present in population databases (no rsID available, gnomAD 0.0009%). This sequence change replaces threonine, which is neutral and polar, with alanine, which is neutral and non-polar, at codon 449 of the COLQ protein (p.Thr449Ala).